The following is an entry in ClinVar:

NM_021971.4(GMPPB):c.281G>C (p.Arg94Pro)

Gene: GMPPB (GDP-mannose pyrophosphorylase B; minus strand). Cytogenetic location: 3p21.31.
Variant type: single nucleotide variant.
Coding change: c.281G>C on transcript NM_021971.4 (MANE Select); coding-DNA position 281, G replaced by C.
Protein change: p.Arg94Pro; replaces arginine 94 with proline.
Molecular consequence: missense variant.
Genome position (GRCh38, 1-based): chr3:49,723,093, C>G on the plus strand (G>C on the coding strand, the complement: GMPPB is on the minus strand). VCF-style: chr3-49723093-C-G. GRCh37 (hg19) VCF-style: chr3-49760526-C-G.
Other names: c.281G>C, p.Arg94Pro (NM_013334.4); short protein forms R94P.
Identifiers: ClinVar variation 5006648 (VCV005006648.2).
Genomic context (GRCh38, chr3:49,723,093, plus strand): 5'-TCGCAGATCACGTCACTGTTGAGGACGAAGAAAGGGTCTGCAGTCTCAGAGAGTAGGTCA[C>G]GGGCCAGCGCCAGGGGCCCAGCTGGGGGAAGGGGACAGGTCACCACCTTGCTGGAGGTCT-3'
Protein context (NP_068806.2, residues 84-104): LGTAGPLALA[Arg94Pro]DLLSETADPF

ClinVar aggregate classification (germline): Uncertain significance (1 of 4 stars; one submission).

Conditions:
Muscular dystrophy-dystroglycanopathy (congenital with brain and eye anomalies), type A14. Also called: WALKER-WARBURG SYNDROME OR MUSCLE-EYE-BRAIN DISEASE, GMPPB-RELATED; Muscular dystrophy-dystroglycanopathy (congenital with brain and eye anomalies), type a, 14; Congenital Muscular Dystrophy-Dystroglycanopathy with Brain and Eye Anomalies Type A 14; Congenital muscular dystrophy-dystroglycanopathy with brain and eye anomalies, type A14. Identifiers: Orphanet 588, MedGen C3809216, MONDO:0014140, OMIM 615350.
Muscular dystrophy-dystroglycanopathy (congenital with impaired intellectual development), type B, 14. Also called: MUSCULAR DYSTROPHY, CONGENITAL, GMPPB-RELATED; Congenital muscular dystrophy-dystroglycanopathy with mental retardation, type B14; Muscular dystrophy-dystroglycanopathy (congenital with intellectual disability), type B14. Identifiers: MedGen C3809221, MONDO:0014141, OMIM 615351.
Autosomal recessive limb-girdle muscular dystrophy type 2T. Also called: MUSCULAR DYSTROPHY-DYSTROGLYCANOPATHY, LIMB-GIRDLE, GMPPB-RELATED; MUSCULAR DYSTROPHY, LIMB-GIRDLE, TYPE 2T; Muscular dystrophy-dystroglycanopathy (limb-girdle), type c, 14; Limb-girdle muscular dystrophy-dystroglycanopathy, type C14. Identifiers: Orphanet 363623, MedGen C4518000, MONDO:0014142, OMIM 615352.

Submission:

Juno Genomics, Hangzhou Juno Genomics, Inc
Classification: Uncertain significance for Muscular dystrophy-dystroglycanopathy (congenital with impaired intellectual development), type B, 14; Muscular dystrophy-dystroglycanopathy (congenital with brain and eye anomalies), type A14; Autosomal recessive limb-girdle muscular dystrophy type 2T. Review status: criteria provided, single submitter. Criteria: ACMG Guidelines, 2015. Collection method: clinical testing. Allele origin: germline.
Comment: Absent from controls (or at extremely low frequency if recessive) in Genome Aggregation Database.;Multiple lines of computational evidence support a deleterious effect on the gene or gene product.